The following is an entry in ClinVar:

NM_018051.5(DYNC2I1):c.1755T>C (p.Thr585=)

Gene: DYNC2I1 (dynein 2 intermediate chain 1; plus strand). Cytogenetic location: 7q36.3.
Variant type: single nucleotide variant.
Coding change: c.1755T>C on transcript NM_018051.5 (MANE Select); coding-DNA position 1755, T replaced by C.
Protein change: p.Thr585=; no amino-acid change (threonine 585 retained).
Molecular consequence: synonymous variant.
Genome position (GRCh38, 1-based): chr7:158,914,285, T>C. VCF-style: chr7-158914285-T-C. GRCh37 (hg19) VCF-style: chr7-158706976-T-C.
Other names: c.1617T>C, p.Thr539= (NM_001350914.2); c.1182T>C, p.Thr394= (NM_001350915.2); c.294T>C, p.Thr98= (NM_001350916.2); c.507T>C, p.Thr169= (NM_001350917.2, NM_001350918.2).
Identifiers: ClinVar variation 767338 (VCV000767338.10), dbSNP rs372205758, ClinGen allele CA4594748.

ClinVar aggregate classification (germline): Likely benign. Review status: criteria provided, single submitter (1 of 4 stars). 2 submissions from 2 submitters: Likely benign (1). 1 of the submissions does not count toward it. Last evaluated 2025-06-17.

Conditions:
DYNC2I1-related disorder. Also called: DYNC2I1-related condition.
Short-rib thoracic dysplasia 8 with or without polydactyly (SRTD8). Also called: SHORT-RIB THORACIC DYSPLASIA 8 WITH POLYDACTYLY. Identifiers: Orphanet 93271, MedGen C3809691, MONDO:0014214, OMIM 615503.

Allele frequency attached by ClinVar (database versions not stated): 1000 Genomes Project 30x 0.00016; 1000 Genomes Project 0.00020; TOPMed 0.00032.
gnomAD v4.1: 108 of 1,612,954 alleles (0.0067%); highest among the groups gnomAD compares: African/African-American, 0.13%; no homozygotes.

Submissions (2):

Labcorp Genetics (formerly Invitae), Labcorp
Classification: Likely benign for Short-rib thoracic dysplasia 8 with or without polydactyly. Last evaluated: 2025-06-17. Review status: criteria provided, single submitter. Criteria: Invitae Variant Classification Sherloc (09022015). Collection method: clinical testing. Allele origin: germline.

PreventionGenetics, part of Exact Sciences
Classification: Likely benign for DYNC2I1-related condition. Last evaluated: 2019-03-27. Review status: no assertion criteria provided. Collection method: clinical testing. Allele origin: germline. Not counted in ClinVar's aggregate classification.
Comment: This variant is classified as likely benign based on ACMG/AMP sequence variant interpretation guidelines (Richards et al. 2015 PMID: 25741868, with internal and published modifications).